The following is an entry in ClinVar:

NM_152564.5(VPS13B):c.4553A>G (p.Asn1518Ser)

Gene: VPS13B (vacuolar protein sorting 13 homolog B; plus strand). Cytogenetic location: 8q22.2.
Variant type: single nucleotide variant.
Coding change: c.4553A>G on transcript NM_152564.5 (MANE Select); coding-DNA position 4553, A replaced by G.
Protein change: p.Asn1518Ser; replaces asparagine 1518 with serine.
Molecular consequence: missense variant.
Genome position (GRCh38, 1-based): chr8:99,511,432, A>G. VCF-style: chr8-99511432-A-G. GRCh37 (hg19) VCF-style: chr8-100523660-A-G.
Other names: c.4628A>G, p.Asn1543Ser (NM_017890.5); short protein forms N1543S, N1518S.
Identifiers: ClinVar variation 4199062 (VCV004199062.3).

ClinVar aggregate classification (germline): Uncertain significance. Review status: criteria provided, multiple submitters, no conflicts (2 of 4 stars). 3 submissions from 3 submitters: Uncertain significance (3). Last evaluated 2025-08-31.

Conditions:
Cohen syndrome (COH1). Also called: PEPPER SYNDROME; Cutis verticis gyrata, retinitis pigmentosa, and sensorineural deafness. Identifiers: Orphanet 193, MedGen C0265223, MONDO:0008999, OMIM 216550.
Inborn genetic diseases. Identifiers: MedGen C0950123, MeSH D030342.

gnomAD v4.1: 7 of 1,613,416 alleles (0.00043%); highest among the groups gnomAD compares: Non-Finnish European, 0.00059%; no homozygotes.

Submissions (3):

Ambry Genetics
Classification: Uncertain significance for Inborn genetic diseases. Last evaluated: 2025-08-31. Review status: criteria provided, single submitter. Criteria: Ambry Variant Classification Scheme 2023. Collection method: clinical testing. Allele origin: germline.

Labcorp Genetics (formerly Invitae), Labcorp
Classification: Uncertain significance for Cohen syndrome. Last evaluated: 2025-06-27. Review status: criteria provided, single submitter. Criteria: Invitae Variant Classification Sherloc (09022015). Collection method: clinical testing. Allele origin: germline.
Comment: This sequence change replaces asparagine, which is neutral and polar, with serine, which is neutral and polar, at codon 1543 of the VPS13B protein (p.Asn1543Ser). This variant is not present in population databases (gnomAD no frequency). This variant has not been reported in the literature in individuals affected with VPS13B-related conditions. Invitae Evidence Modeling of protein sequence and biophysical properties (such as structural, functional, and spatial information, amino acid conservation, physicochemical variation, residue mobility, and thermodynamic stability) indicates that this missense variant is not expected to disrupt VPS13B protein function with a negative predictive value of 80%. In summary, the available evidence is currently insufficient to determine the role of this variant in disease. Therefore, it has been classified as a Variant of Uncertain Significance.

Blueprint Genetics
Classification: Uncertain significance. Last evaluated: 2023-09-18. Review status: criteria provided, single submitter. Criteria: ACMG Guidelines, 2015. Collection method: clinical testing. Allele origin: germline.